The following is an entry in ClinVar:

ClinVar aggregate classification (germline): Likely benign (1 of 4 stars; one submission).

Allele frequency attached by ClinVar (database versions not stated): gnomAD exomes below 0.00001.
gnomAD v4.1: 1 of 1,159,896 alleles (0.000086%); highest among the groups gnomAD compares: Non-Finnish European, 0.00012%; no homozygotes.

Submission:

CeGaT Center for Human Genetics Tuebingen
Classification: Likely benign. Last evaluated: 2026-03-01. Review status: criteria provided, single submitter. Criteria: CeGaT Center For Human Genetics Tuebingen Variant Classification Criteria Version 2. Collection method: clinical testing. Allele origin: germline. Affected: yes. Observed: 2 variant alleles.
Comment: NOP2: BP4, BP7

NM_001258308.2(NOP2):c.475-246G>A

Gene: NOP2 (NOP2 nucleolar protein; minus strand). Cytogenetic location: 12p13.31.
Variant type: single nucleotide variant.
Coding change: c.475-246G>A on transcript NM_001258308.2 (MANE Select); 246 bases into the intron before coding-DNA position 475, G replaced by A.
Molecular consequence: intron variant. On other transcripts: synonymous variant (1).
Genome position (GRCh38, 1-based): chr12:6,564,192, C>T on the plus strand (G>A on the coding strand, the complement: NOP2 is on the minus strand). VCF-style: chr12-6564192-C-T. GRCh37 (hg19) VCF-style: chr12-6673358-C-T.
Other names: c.531G>A, p.Lys177= (NM_001258309.2); c.463-246G>A (NM_006170.4, NM_001258310.2, NM_001033714.3).
Identifiers: ClinVar variation 2642618 (VCV002642618.24), dbSNP rs2540341383, ClinGen allele CA478144658.